The following is an entry in ClinVar:

ClinVar aggregate classification (germline): Likely benign. Review status: criteria provided, multiple submitters, no conflicts (2 of 4 stars). 2 submissions from 2 submitters: Likely benign (2). Last evaluated 2025-10-01.

Allele frequency attached by ClinVar (database versions not stated): gnomAD 0.00130; ESP Exome Variant Server 0.00138; gnomAD exomes 0.00150; TOPMed 0.00159; 1000 Genomes Project 0.00180; 1000 Genomes Project 30x 0.00187; ExAC 0.00409.
gnomAD v4.1: 2,357 of 1,581,846 alleles (0.15%); highest among the groups gnomAD compares: Middle Eastern, 0.89%; 10 homozygotes.

Submissions (2):

CeGaT Center for Human Genetics Tuebingen
Classification: Likely benign. Last evaluated: 2025-10-01. Review status: criteria provided, single submitter. Criteria: CeGaT Center For Human Genetics Tuebingen Variant Classification Criteria Version 2. Collection method: clinical testing. Allele origin: germline. Affected: yes. Observed: 5 variant alleles.
Comment: SOHLH1: BP4, BP7

Blueprint Genetics
Classification: Likely benign. Last evaluated: 2024-11-27. Review status: criteria provided, single submitter. Criteria: ACMG Guidelines, 2015. Collection method: clinical testing. Allele origin: germline.

NM_001101677.2(SOHLH1):c.990A>G (p.Pro330=)

Gene: SOHLH1 (spermatogenesis and oogenesis specific basic helix-loop-helix 1; minus strand). Cytogenetic location: 9q34.3.
Variant type: single nucleotide variant.
Coding change: c.990A>G on transcript NM_001101677.2 (MANE Select); coding-DNA position 990, A replaced by G.
Protein change: p.Pro330=; no amino-acid change (proline 330 retained).
Molecular consequence: synonymous variant. On other transcripts: 3 prime UTR variant (1).
Genome position (GRCh38, 1-based): chr9:135,693,771, T>C on the plus strand (A>G on the coding strand, the complement: SOHLH1 is on the minus strand). VCF-style: chr9-135693771-T-C. GRCh37 (hg19) VCF-style: chr9-138585617-T-C.
Other names: c.*575A>G (NM_001012415.3).
Identifiers: ClinVar variation 2659711 (VCV002659711.25), dbSNP rs150576747, ClinGen allele CA5325650.